The following is an entry in ClinVar:

NM_004612.4(TGFBR1):c.296A>G (p.Tyr99Cys)

Gene: TGFBR1 (transforming growth factor beta receptor 1; plus strand). Cytogenetic location: 9q22.33.
Variant type: single nucleotide variant.
Coding change: c.296A>G on transcript NM_004612.4 (MANE Select); coding-DNA position 296, A replaced by G.
Protein change: p.Tyr99Cys; replaces tyrosine 99 with cysteine.
Molecular consequence: missense variant.
Genome position (GRCh38, 1-based): chr9:99,129,053, A>G. VCF-style: chr9-99129053-A-G. GRCh37 (hg19) VCF-style: chr9-101891335-A-G.
Other names: c.296A>G, p.Tyr99Cys (NM_001130916.3, NM_001306210.2); short protein forms Y99C.
Identifiers: ClinVar variation 912753 (VCV000912753.8), dbSNP rs1360080681, ClinGen allele CA374226240.
Genomic context (GRCh38, chr9:99,129,053, plus strand): 5'-CTCGAGATAGGCCGTTTGTATGTGCACCCTCTTCAAAAACTGGGTCTGTGACTACAACAT[A>G]TTGCTGCAATCAGGACCATTGCAATAAAATAGAACTTCCAACTACTGGTAAGTTGTATAA-3'
Protein context (NP_004603.1, residues 89-109): SSKTGSVTTT[Tyr99Cys]CCNQDHCNKI

ClinVar aggregate classification (germline): Uncertain significance. Review status: criteria provided, multiple submitters, no conflicts (2 of 4 stars). 3 submissions from 3 submitters: Uncertain significance (3). Last evaluated 2026-03-29.

Conditions:
Ehlers-Danlos syndrome (EDS). Identifiers: Orphanet 98249, MedGen C0013720, MONDO:0020066.
Loeys-Dietz syndrome 1 (LDS1). Also called: FURLONG SYNDROME; TGFBR1-Related Loeys-Dietz Syndrome; AORTIC ANEURYSM, FAMILIAL THORACIC 5. Identifiers: Orphanet 60030, MedGen C4551955, MONDO:0012212, OMIM 609192.
Familial thoracic aortic aneurysm and aortic dissection (TAAD). Also called: Thoracic aortic aneurysms and dissections. Identifiers: Orphanet 91387, MedGen C4707243, MONDO:0019625.

Allele frequency attached by ClinVar (database versions not stated): gnomAD exomes below 0.00001.

Submissions (3):

Ambry Genetics
Classification: Uncertain significance for Familial thoracic aortic aneurysm and aortic dissection. Last evaluated: 2026-03-29. Review status: criteria provided, single submitter. Criteria: Ambry Variant Classification Scheme 2023. Collection method: clinical testing. Allele origin: germline.
Comment: The p.Y99C variant (also known as c.296A>G), located in coding exon 2 of the TGFBR1 gene, results from an A to G substitution at nucleotide position 296. The tyrosine at codon 99 is replaced by cysteine, an amino acid with highly dissimilar properties. This amino acid position is conserved. In addition, the in silico prediction for this alteration is inconclusive. Based on the available evidence, the clinical significance of this variant remains unclear.

Genome Diagnostics Laboratory, The Hospital for Sick Children
Classification: Uncertain significance for Ehlers-Danlos syndrome. Last evaluated: 2020-05-01. Review status: criteria provided, single submitter. Criteria: ACMG Guidelines, 2015. Collection method: clinical testing. Allele origin: germline.

Illumina Laboratory Services, Illumina
Classification: Uncertain significance for Loeys-Dietz syndrome 1. Last evaluated: 2018-01-12. Review status: criteria provided, single submitter. Criteria: ICSL Variant Classification Criteria 13 December 2019. Collection method: clinical testing. Allele origin: germline.